The following is an entry in ClinVar:

ClinVar aggregate classification (germline): Uncertain significance (1 of 4 stars; one submission).

Allele frequency attached by ClinVar (database versions not stated): gnomAD exomes below 0.00001; TOPMed below 0.00001; gnomAD 0.00001.
gnomAD v4.1: 3 of 1,608,248 alleles (0.00019%); highest among the groups gnomAD compares: African/African-American, 0.004%; no homozygotes.

Submission:

Labcorp Genetics (formerly Invitae), Labcorp
Classification: Uncertain significance. Last evaluated: 2022-07-05. Review status: criteria provided, single submitter. Criteria: Invitae Variant Classification Sherloc (09022015). Collection method: clinical testing. Allele origin: germline.
Comment: In summary, the available evidence is currently insufficient to determine the role of this variant in disease. Therefore, it has been classified as a Variant of Uncertain Significance. Variants that disrupt the consensus splice site are a relatively common cause of aberrant splicing (PMID: 17576681, 9536098). Algorithms developed to predict the effect of sequence changes on RNA splicing suggest that this variant may disrupt the consensus splice site. ClinVar contains an entry for this variant (Variation ID: 1481913). This variant has not been reported in the literature in individuals affected with SLCO2A1-related conditions. The frequency data for this variant in the population databases is considered unreliable, as metrics indicate poor data quality at this position in the gnomAD database. This sequence change affects an acceptor splice site in intron 13 of the SLCO2A1 gene. While this variant is not anticipated to result in nonsense mediated decay, it likely alters RNA splicing and results in a disrupted protein product.

Literature cited by the submitters: PubMed 17576681; PubMed 9536098.

NM_005630.3(SLCO2A1):c.1815-2A>T

Gene: SLCO2A1 (solute carrier organic anion transporter family member 2A1; minus strand). Cytogenetic location: 3q22.1.
Variant type: single nucleotide variant.
Coding change: c.1815-2A>T on transcript NM_005630.3 (MANE Select); the canonical splice acceptor site of the intron before coding-DNA position 1815, A replaced by T.
Molecular consequence: splice acceptor variant.
Genome position (GRCh38, 1-based): chr3:133,934,832, T>A on the plus strand (A>T on the coding strand, the complement: SLCO2A1 is on the minus strand). VCF-style: chr3-133934832-T-A. GRCh37 (hg19) VCF-style: chr3-133653676-T-A.
Identifiers: ClinVar variation 1481913 (VCV001481913.6), dbSNP rs1172803733, ClinGen allele CA354615207.